The following is an entry in ClinVar:

NM_018946.4(NANS):c.790C>T (p.Arg264Trp)

Genes: NANS (N-acetylneuraminate synthase; plus strand), TRIM14 (tripartite motif containing 14; minus strand). Cytogenetic location: 9q22.33.
Variant type: single nucleotide variant.
Coding change: c.790C>T on transcript NM_018946.4 (MANE Select); coding-DNA position 790, C replaced by T.
Protein change: p.Arg264Trp; replaces arginine 264 with tryptophan.
Molecular consequence: missense variant.
Genome position (GRCh38, 1-based): chr9:98,081,002, C>T. VCF-style: chr9-98081002-C-T. GRCh37 (hg19) VCF-style: chr9-100843284-C-T.
Other names: short protein forms R264W.
Identifiers: ClinVar variation 1905859 (VCV001905859.5), dbSNP rs779299733, ClinGen allele CA5150386.

ClinVar aggregate classification (germline): Uncertain significance (1 of 4 stars; one submission).

Allele frequency attached by ClinVar (database versions not stated): gnomAD 0.00001; TOPMed 0.00001; ExAC 0.00005.
gnomAD v4.1: 24 of 1,614,042 alleles (0.0015%); highest among the groups gnomAD compares: South Asian, 0.014%; no homozygotes.

Submission:

Labcorp Genetics (formerly Invitae), Labcorp
Classification: Uncertain significance. Last evaluated: 2022-07-30. Review status: criteria provided, single submitter. Criteria: Invitae Variant Classification Sherloc (09022015). Collection method: clinical testing. Allele origin: germline.
Comment: This sequence change replaces arginine, which is basic and polar, with tryptophan, which is neutral and slightly polar, at codon 264 of the NANS protein (p.Arg264Trp). This variant is present in population databases (rs779299733, gnomAD 0.03%). This variant has not been reported in the literature in individuals affected with NANS-related conditions. Algorithms developed to predict the effect of missense changes on protein structure and function are either unavailable or do not agree on the potential impact of this missense change (SIFT: "Deleterious"; PolyPhen-2: "Benign"; Align-GVGD: "Class C0"). In summary, the available evidence is currently insufficient to determine the role of this variant in disease. Therefore, it has been classified as a Variant of Uncertain Significance.